The following is an entry in ClinVar:

ClinVar aggregate classification (germline): Pathogenic/Likely pathogenic. Review status: criteria provided, multiple submitters, no conflicts (2 of 4 stars). 2 submissions from 2 submitters: Pathogenic (1); Likely pathogenic (1). Last evaluated 2024-02-02.

Conditions:
Hereditary cancer-predisposing syndrome. Also called: Neoplastic Syndromes, Hereditary; Tumor predisposition; Hereditary neoplastic syndrome; Hereditary Cancer Syndrome. Identifiers: Orphanet 140162, MedGen C0027672, MeSH D009386, MONDO:0015356.

Submissions (2):

Quest Diagnostics Nichols Institute San Juan Capistrano
Classification: Likely pathogenic. Last evaluated: 2024-02-02. Review status: criteria provided, single submitter. Criteria: Quest Diagnostics criteria. Collection method: clinical testing. Allele origin: unknown.
Comment: The APC c.7582_7583del (p.Ile2528Cysfs*6) variant alters the translational reading frame of the APC mRNA and is predicted to cause the premature termination of APC protein synthesis. This variant has not been reported in individuals with APC-related conditions in the published literature. This variant has not been reported in large, multi-ethnic general populations (Genome Aggregation Database). Based on the available information, this variant is classified as likely pathogenic.

Ambry Genetics
Classification: Pathogenic for Hereditary cancer-predisposing syndrome. Last evaluated: 2019-03-06. Review status: criteria provided, single submitter. Criteria: Ambry Variant Classification Scheme 2023. Collection method: clinical testing. Allele origin: germline.
Comment: The c.7582_7583delAT pathogenic mutation, located in coding exon 15 of the APC gene, results from a deletion of two nucleotides at nucleotide positions 7582 to 7583, causing a translational frameshift with a predicted alternate stop codon (p.I2528Cfs*6). This alteration is expected to result in loss of function by premature protein truncation or nonsense-mediated mRNA decay. As such, this alteration is interpreted as a disease-causing mutation.

NM_000038.6(APC):c.7582_7583del (p.Ile2528fs)

Gene: APC (APC regulator of Wnt signaling pathway; plus strand). Cytogenetic location: 5q22.2.
Variant type: Microsatellite.
Coding change: c.7582_7583del on transcript NM_000038.6 (MANE Select); coding-DNA positions 7582 to 7583, 2 bases deleted (AT; older notation c.7582_7583delAT).
Protein change: p.Ile2528fs; shifts the reading frame from isoleucine 2528.
Molecular consequence: frameshift variant.
Genome position (GRCh38, 1-based): chr5:112,843,176-112,843,177, AT deleted; deleting any 2 consecutive bases within chr5:112,843,174-112,843,177 gives the same sequence; the c. name uses the placement nearest the transcript's 3' end. VCF-style (leftmost placement, unchanged base first): chr5-112843173-GAT-G. GRCh37 (hg19) VCF-style: chr5-112178870-GAT-G.
Other names: c.7582_7583del, p.Ile2528fs (NM_001127510.3, NM_001354895.2); c.7528_7529del, p.Ile2510fs (NM_001127511.3); c.7636_7637del, p.Ile2546fs (NM_001354896.2); c.7612_7613del, p.Ile2538fs (NM_001354897.2); c.7507_7508del, p.Ile2503fs (NM_001354898.2); c.7498_7499del, p.Ile2500fs (NM_001354899.2); c.7459_7460del, p.Ile2487fs (NM_001354900.2); c.7405_7406del, p.Ile2469fs (NM_001354901.2); and 7 more; short protein forms I2437fs, I2510fs, I2368fs, I2469fs, I2487fs, I2500fs, I2245fs, I2402fs.
Identifiers: ClinVar variation 827138 (VCV000827138.5), dbSNP rs1580684327, ClinGen allele CA915943523.